The following is an entry in ClinVar:

NM_198334.3(GANAB):c.1787G>A (p.Arg596His)

Gene: GANAB (glucosidase II alpha subunit; minus strand). Cytogenetic location: 11q12.3.
Variant type: single nucleotide variant.
Coding change: c.1787G>A on transcript NM_198334.3 (MANE Select); coding-DNA position 1787, G replaced by A.
Protein change: p.Arg596His; replaces arginine 596 with histidine.
Molecular consequence: missense variant.
Genome position (GRCh38, 1-based): chr11:62,629,635, C>T on the plus strand (G>A on the coding strand, the complement: GANAB is on the minus strand). VCF-style: chr11-62629635-C-T. GRCh37 (hg19) VCF-style: chr11-62397107-C-T.
Other names: c.1511G>A, p.Arg504His (NM_001278192.2); c.1445G>A, p.Arg482His (NM_001278193.2); c.1496G>A, p.Arg499His (NM_001278194.2, NM_001329222.2, NM_001329223.2); c.1064G>A, p.Arg355His (NM_001329224.2, NM_001329225.2); c.1853G>A, p.Arg618His (NM_198335.4); short protein forms R355H, R482H, R499H, R504H, R596H, R618H.
Identifiers: ClinVar variation 1806187 (VCV001806187.1), dbSNP rs1943566338, ClinGen allele CA380991876.
Genomic context (GRCh38, chr11:62,629,635, plus strand): 5'-CTCTAAACCTTACCAAAGCGCTGGGAGCCAGCGAAGAAGGCCCTGGCCAGGACAAAGGGG[C>T]GTTCCATGCCCCCAGAGCGCTGTCTCAGCCCATCAGCAGTCGCCATGTGCTGGGTGAGGA-3'
Protein context (NP_938148.1, residues 586-606): GLRQRSGGME[Arg596His]PFVLARAFFA

ClinVar aggregate classification (germline): Uncertain significance (1 of 4 stars; one submission).

Conditions:
Polycystic kidney disease 3 with or without polycystic liver disease. Also called: Polycystic kidney disease 3; POLYCYSTIC KIDNEY DISEASE, ADULT, TYPE III; Polycystic Kidney and/or Polycystic Liver Disease 3. Identifiers: MedGen C3887964, MONDO:0010916, OMIM 600666.

Submission:

Victorian Clinical Genetics Services, Murdoch Childrens Research Institute
Classification: Uncertain significance for Polycystic kidney disease 3 with or without polycystic liver disease. Last evaluated: 2021-05-06. Review status: criteria provided, single submitter. Criteria: ACMG Guidelines, 2015. Collection method: clinical testing. Allele origin: germline. Inheritance: Autosomal dominant inheritance. Affected: yes.
Comment: Based on the classification scheme VCGS_Germline_v1.3.3, this variant is classified as VUS-3A. Following criteria are met: 0102 - Loss of function is a known mechanism of disease in this gene and is associated with polycystic kidney disease 3 (MIM#600666). (I) 0107 - This gene is associated with autosomal dominant disease. (I) 0200 - Variant is predicted to result in a missense amino acid change from arginine to histidine. (I) 0251 - This variant is heterozygous. (I) 0301 - Variant is absent from gnomAD (both v2 and v3). (SP) 0501 - Missense variant consistently predicted to be damaging by multiple in silico tools or highly conserved with a major amino acid change. (SP) 0600 - Variant is located in the annotated glycosyl hydrolases family 31 domain (PDB). (I) 0704 - Another missense variant comparable to the one identified in this case has limited previous evidence for pathogenicity. An alternative change (p.Arg596Cys) has been reported as likely pathogenic in a patient with polycystic liver disease (ClinVar). This variant was not considered in support of pathogenicity, as the finding was in a research setting and no information regarding variant classification was provided. (I) 0803 - This variant has limited previous evidence of pathogenicity in an individual. This variant has been reported as likely pathogenic (LOVD). (SP) 0905 - No published segregation evidence has been identified for this variant. (I) 1007 - No published functional evidence has been identified for this variant. (I) 1208 - Inheritance information for this variant is not currently available in this individual. (I) Legend: (SP) - Supporting pathogenic, (I) - Information, (SB) - Supporting benign